The following is an entry in ClinVar:

ClinVar aggregate classification (germline): Uncertain significance (1 of 4 stars; one submission).

Allele frequency attached by ClinVar (database versions not stated): ExAC 0.00002; TOPMed 0.00004; gnomAD 0.00005.
gnomAD v4.1: 164 of 1,613,382 alleles (0.01%); highest among the groups gnomAD compares: Non-Finnish European, 0.014%; no homozygotes.

Submission:

Labcorp Genetics (formerly Invitae), Labcorp
Classification: Uncertain significance. Last evaluated: 2023-09-18. Review status: criteria provided, single submitter. Criteria: Invitae Variant Classification Sherloc (09022015). Collection method: clinical testing. Allele origin: germline.
Comment: Variants that disrupt the consensus splice site are a relatively common cause of aberrant splicing (PMID: 17576681, 9536098). Algorithms developed to predict the effect of sequence changes on RNA splicing suggest that this variant is not likely to affect RNA splicing. This variant has not been reported in the literature in individuals affected with SNIP1-related conditions. This variant is present in population databases (rs748361356, gnomAD 0.008%). This sequence change falls in intron 2 of the SNIP1 gene. It does not directly change the encoded amino acid sequence of the SNIP1 protein. It affects a nucleotide within the consensus splice site. In summary, the available evidence is currently insufficient to determine the role of this variant in disease. Therefore, it has been classified as a Variant of Uncertain Significance.

Literature cited by the submitters: PubMed 17576681; PubMed 9536098.

NM_024700.4(SNIP1):c.327+5G>C

Gene: SNIP1 (Smad nuclear interacting protein 1; minus strand). Cytogenetic location: 1p34.3.
Variant type: single nucleotide variant.
Coding change: c.327+5G>C on transcript NM_024700.4 (MANE Select); 5 bases into the intron after coding-DNA position 327, G replaced by C.
Molecular consequence: intron variant.
Genome position (GRCh38, 1-based): chr1:37,552,640, C>G on the plus strand (G>C on the coding strand, the complement: SNIP1 is on the minus strand). VCF-style: chr1-37552640-C-G. GRCh37 (hg19) VCF-style: chr1-38018241-C-G.
Identifiers: ClinVar variation 2711605 (VCV002711605.3), dbSNP rs748361356, ClinGen allele CA771375.